The following is an entry in ClinVar:

NM_000490.5(AVP):c.275G>T (p.Cys92Phe)

Gene: AVP (arginine vasopressin; minus strand). Cytogenetic location: 20p13.
Variant type: single nucleotide variant.
Coding change: c.275G>T on transcript NM_000490.5 (MANE Select); coding-DNA position 275, G replaced by T.
Protein change: p.Cys92Phe; replaces cysteine 92 with phenylalanine.
Molecular consequence: missense variant.
Genome position (GRCh38, 1-based): chr20:3,083,024, C>A on the plus strand (G>T on the coding strand, the complement: AVP is on the minus strand). VCF-style: chr20-3083024-C-A. GRCh37 (hg19) VCF-style: chr20-3063670-C-A.
Other names: short protein forms C92F.
Identifiers: ClinVar variation 2804341 (VCV002804341.3), dbSNP rs121964891, ClinGen allele CA408061564.

ClinVar aggregate classification (germline): Uncertain significance (1 of 4 stars; one submission).

Submission:

Labcorp Genetics (formerly Invitae), Labcorp
Classification: Uncertain significance. Last evaluated: 2025-04-07. Review status: criteria provided, single submitter. Criteria: Invitae Variant Classification Sherloc (09022015). Collection method: clinical testing. Allele origin: germline.
Comment: This sequence change replaces cysteine, which is neutral and slightly polar, with phenylalanine, which is neutral and non-polar, at codon 92 of the AVP protein (p.Cys92Phe). This variant is not present in population databases (gnomAD no frequency). This variant has not been reported in the literature in individuals affected with AVP-related conditions. ClinVar contains an entry for this variant (Variation ID: 2804341). An algorithm developed to predict the effect of missense changes on protein structure and function (PolyPhen-2) suggests that this variant is likely to be disruptive. This variant disrupts the p.Cys92 amino acid residue in AVP. Other variant(s) that disrupt this residue have been observed in individuals with AVP-related conditions (PMID: 9814475, 21088058, 32629514), which suggests that this may be a clinically significant amino acid residue. In summary, the available evidence is currently insufficient to determine the role of this variant in disease. Therefore, it has been classified as a Variant of Uncertain Significance.

Literature cited by the submitters: PubMed 9814475; PubMed 21088058; PubMed 32629514.